The following is an entry in ClinVar:

ClinVar aggregate classification (germline): Conflicting classifications of pathogenicity. Review status: criteria provided, conflicting classifications (1 of 4 stars). 11 submissions from 11 submitters: Uncertain significance (8); Likely benign (1). 2 of the submissions do not count toward it. Last evaluated 2026-08-06.

Conditions:
RP1-related disorder. Also called: RP1-related condition.
Retinitis pigmentosa (RP). Identifiers: Orphanet 791, MedGen C0035334, MeSH D012174, MONDO:0019200, OMIM 268000. Inheritance: Autosomal dominant, autosomal recessive and X linked inheritance.
Retinitis pigmentosa 1 (RP1). Identifiers: Orphanet 791, MedGen C0220701, MONDO:0008377, OMIM 180100.

Allele frequency attached by ClinVar (database versions not stated): 1000 Genomes Project 30x 0.00031; TOPMed 0.00035; gnomAD 0.00039 and 0.00040; 1000 Genomes Project 0.00040; gnomAD exomes 0.00042 and 0.00050; ESP Exome Variant Server 0.00046; ExAC 0.00048.
gnomAD v4.1: 661 of 1,613,820 alleles (0.041%); highest among the groups gnomAD compares: Non-Finnish European, 0.049%; no homozygotes.

Submissions (11):

OLLIN Analises Genomicas, OLLIN
Classification: Uncertain significance for Retinitis pigmentosa 1. Last evaluated: 2026-08-06. Review status: criteria provided, single submitter. Criteria: ACMG Guidelines 2015 PMID 25741868. Collection method: clinical testing. Allele origin: germline. Inheritance: Autosomal dominant inheritance.
Comment: This missense variant, located in exon 4 (of 4), has been reported in ClinVar (accession VCV000197270.31) and in gnomAD with an allele frequency of 0.041%. However, to our knowledge, it has not been reported in the scientific literature. In silico analysis predicts that this variant has a tolerated effect. According to the currently available evidence, this variant has been classified as uncertain significance (BP4).

PreventionGenetics, part of Exact Sciences
Classification: Uncertain significance for RP1-related condition. Last evaluated: 2026-03-26. Review status: criteria provided, single submitter. Criteria: ACMG Guidelines, 2015. Collection method: clinical testing. Allele origin: germline.
Comment: The RP1 c.6196G>A variant is predicted to result in the amino acid substitution p.Asp2066Asn. This variant was previously reported in an individual with a retinal disorder, but was also present in an unaffected control (Berson et al. 2001. PubMed ID: 11527933). Additionally, this variant is reported in 0.073% of alleles in individuals of European (Non-Finnish) descent in gnomAD, which may be too frequent to be a primary cause of disease. Although we suspect that this variant may be benign, at this time, the clinical significance of this variant is uncertain due to the absence of conclusive functional and genetic evidence.

Labcorp Genetics (formerly Invitae), Labcorp
Classification: Uncertain significance. Last evaluated: 2026-01-26. Review status: criteria provided, single submitter. Criteria: Invitae Variant Classification Sherloc (09022015). Collection method: clinical testing. Allele origin: germline.
Comment: This sequence change replaces aspartic acid, which is acidic and polar, with asparagine, which is neutral and polar, at codon 2066 of the RP1 protein (p.Asp2066Asn). This variant is present in population databases (rs149282954, gnomAD 0.07%), and has an allele count higher than expected for a pathogenic variant. This missense change has been observed in individual(s) with autosomal dominant retinitis pigmentosa (PMID: 11527933). ClinVar contains an entry for this variant (Variation ID: 197270). An algorithm developed to predict the effect of missense changes on protein structure and function (PolyPhen-2) suggests that this variant is likely to be disruptive. In summary, the available evidence is currently insufficient to determine the role of this variant in disease. Therefore, it has been classified as a Variant of Uncertain Significance.

CeGaT Center for Human Genetics Tuebingen
Classification: Uncertain significance. Last evaluated: 2025-04-01. Review status: criteria provided, single submitter. Criteria: CeGaT Center For Human Genetics Tuebingen Variant Classification Criteria Version 2. Collection method: clinical testing. Allele origin: germline. Affected: yes. Observed: 1 variant allele.
Comment: RP1: PM2, BP4

Blueprint Genetics
Classification: Uncertain significance. Last evaluated: 2024-09-04. Review status: criteria provided, single submitter. Criteria: ACMG Guidelines, 2015. Collection method: clinical testing. Allele origin: germline.

Department of Pathology and Laboratory Medicine, Sinai Health System
Classification: Uncertain significance for Retinitis pigmentosa 1. Last evaluated: 2022-06-23. Review status: criteria provided, single submitter. Criteria: ACMG Guidelines, 2015. Collection method: research. Allele origin: germline.

Revvity Omics, Revvity
Classification: Uncertain significance for Retinitis pigmentosa 1. Last evaluated: 2019-01-09. Review status: criteria provided, single submitter. Criteria: ACMG Guidelines, 2015. Collection method: clinical testing. Allele origin: germline.

Illumina Laboratory Services, Illumina
Classification: Likely benign for Retinitis pigmentosa. Last evaluated: 2017-04-27. Review status: criteria provided, single submitter. Criteria: ICSL Variant Classification Criteria 13 December 2019. Collection method: clinical testing. Allele origin: germline.
Comment: This variant was observed as part of a predisposition screen in an ostensibly healthy population. A literature search was performed for the gene, cDNA change, and amino acid change (where applicable). Publications were found based on this search. The evidence from the literature, in combination with allele frequency data from public databases where available, was sufficient to determine this variant is unlikely to cause disease. Therefore, this variant is classified as likely benign.

Eurofins Ntd Llc (ga)
Classification: Uncertain significance. Last evaluated: 2014-11-07. Review status: criteria provided, single submitter. Criteria: EGL Classification Definitions 2015. Collection method: clinical testing. Allele origin: germline. Observed: 2 variant alleles, 2 heterozygotes.

Clinical Genetics DNA and cytogenetics Diagnostics Lab, Erasmus MC, Erasmus Medical Center
Classification: Uncertain significance. Review status: no assertion criteria provided. Collection method: clinical testing. Allele origin: germline. Affected: yes. Study: VKGL Data-share Consensus. Not counted in ClinVar's aggregate classification.

Joint Genome Diagnostic Labs from Nijmegen and Maastricht, Radboudumc and MUMC+
Classification: Uncertain significance. Review status: no assertion criteria provided. Collection method: clinical testing. Allele origin: germline. Affected: yes. Study: VKGL Data-share Consensus. Not counted in ClinVar's aggregate classification.

Literature cited by the submitters: PubMed 11527933 (cited by 3 submitters).

NM_006269.2(RP1):c.6196G>A (p.Asp2066Asn)

Gene: RP1 (RP1 axonemal microtubule associated; plus strand). Cytogenetic location: 8q12.1.
Variant type: single nucleotide variant.
Coding change: c.6196G>A on transcript NM_006269.2 (MANE Select); coding-DNA position 6196, G replaced by A.
Protein change: p.Asp2066Asn; replaces aspartic acid 2066 with asparagine.
Molecular consequence: missense variant.
Genome position (GRCh38, 1-based): chr8:54,630,078, G>A. VCF-style: chr8-54630078-G-A. GRCh37 (hg19) VCF-style: chr8-55542638-G-A.
Other names: short protein forms D2066N.
Identifiers: ClinVar variation 197270 (VCV000197270.34), dbSNP rs149282954, ClinGen allele CA245308.